The following is an entry in ClinVar:

NM_080732.4(EGLN2):c.1105G>A (p.Ala369Thr)

Genes: EGLN2 (egl-9 family hypoxia inducible factor 2; plus strand), RAB4B-EGLN2 (RAB4B-EGLN2 readthrough (NMD candidate); plus strand). Cytogenetic location: 19q13.2.
Variant type: single nucleotide variant.
Coding change: c.1105G>A on transcript NM_080732.4 (MANE Select); coding-DNA position 1105, G replaced by A.
Protein change: p.Ala369Thr; replaces alanine 369 with threonine.
Molecular consequence: missense variant. On other transcripts: non-coding transcript variant (1).
Genome position (GRCh38, 1-based): chr19:40,807,488, G>A. VCF-style: chr19-40807488-G-A. GRCh37 (hg19) VCF-style: chr19-41313393-G-A.
Other names: c.1105G>A, p.Ala369Thr (NM_053046.4); short protein forms A369T.
Identifiers: ClinVar variation 1793599 (VCV001793599.2), dbSNP rs1266563560, ClinGen allele CA405956703.

ClinVar aggregate classification (germline): Uncertain significance (1 of 4 stars; one submission).

Allele frequency attached by ClinVar (database versions not stated): gnomAD 0.00001; gnomAD exomes 0.00001; TOPMed 0.00002.

Submission:

Ambry Genetics
Classification: Uncertain significance. Last evaluated: 2023-10-23. Review status: criteria provided, single submitter. Criteria: Ambry Variant Classification Scheme 2023. Collection method: clinical testing. Allele origin: germline.
Comment: The p.A369T variant (also known as c.1105G>A), located in coding exon 4 of the EGLN2 gene, results from a G to A substitution at nucleotide position 1105. The alanine at codon 369 is replaced by threonine, an amino acid with similar properties. This amino acid position is conserved. In addition, this alteration is predicted to be deleterious by in silico analysis. Since supporting evidence is limited at this time, the clinical significance of this alteration remains unclear.